The following is an entry in ClinVar:

ClinVar aggregate classification (germline): Uncertain significance (1 of 4 stars; one submission).

Submission:

GeneDx
Classification: Uncertain significance. Last evaluated: 2022-09-19. Review status: criteria provided, single submitter. Criteria: GeneDx Variant Classification Process June 2021. Collection method: clinical testing. Allele origin: germline. Affected: yes.
Comment: Not observed at significant frequency in large population cohorts (gnomAD); In silico analysis supports that this missense variant does not alter protein structure/function; Has not been previously published as pathogenic or benign to our knowledge

NM_002430.3(MN1):c.35A>G (p.Asn12Ser)

Gene: MN1 (MN1 proto-oncogene, transcriptional regulator; minus strand). Cytogenetic location: 22q12.1.
Variant type: single nucleotide variant.
Coding change: c.35A>G on transcript NM_002430.3 (MANE Select); coding-DNA position 35, A replaced by G.
Protein change: p.Asn12Ser; replaces asparagine 12 with serine.
Molecular consequence: missense variant.
Genome position (GRCh38, 1-based): chr22:27,800,509, T>C on the plus strand (A>G on the coding strand, the complement: MN1 is on the minus strand). VCF-style: chr22-27800509-T-C. GRCh37 (hg19) VCF-style: chr22-28196497-T-C.
Other names: short protein forms N12S.
Identifiers: ClinVar variation 2444843 (VCV002444843.1), dbSNP rs2517774887, ClinGen allele CA411052162.
Genomic context (GRCh38, chr22:27,800,509, plus strand): 5'-GTGTTCATGCTCAGTCCGGTCTCGTTAAAGTTCCTCTCGCCCTGGCCAGCGTTCCTGCTG[T>C]TGACCTGGGGCTCGAATTGGTCCAGCCCAAACATACTTGGCGGGGGGCAGAGGGGGATCA-3'
Protein context (NP_002421.3, residues 2-22): FGLDQFEPQV[Asn12Ser]SRNAGQGERN